The following is an entry in ClinVar:

ClinVar aggregate classification (germline): Uncertain significance (1 of 4 stars; one submission).

Conditions:
Zellweger spectrum disorders (ZS). Also called: Zellweger Spectrum Disorder; Zellweger Spectrum; Zellweger syndrome; Zellweger Spectrum Disorder (ZSD). Identifiers: Orphanet 912, MedGen C0043459, MONDO:0019609.

Allele frequency attached by ClinVar (database versions not stated): gnomAD exomes below 0.00001; ExAC 0.00001; gnomAD 0.00001.
gnomAD v4.1: 6 of 1,613,594 alleles (0.00037%); highest among the groups gnomAD compares: South Asian, 0.0011%; no homozygotes.

Submission:

Labcorp Genetics (formerly Invitae), Labcorp
Classification: Uncertain significance for Zellweger spectrum disorders. Last evaluated: 2025-12-15. Review status: criteria provided, single submitter. Criteria: Invitae Variant Classification Sherloc (09022015). Collection method: clinical testing. Allele origin: germline.
Comment: This sequence change replaces threonine, which is neutral and polar, with asparagine, which is neutral and polar, at codon 643 of the PEX1 protein (p.Thr643Asn). This variant is present in population databases (rs748922613, gnomAD 0.003%). This variant has not been reported in the literature in individuals affected with PEX1-related conditions. ClinVar contains an entry for this variant (Variation ID: 1919845). Invitae Evidence Modeling of protein sequence and biophysical properties (such as structural, functional, and spatial information, amino acid conservation, physicochemical variation, residue mobility, and thermodynamic stability) indicates that this missense variant is not expected to disrupt PEX1 protein function with a negative predictive value of 95%. In summary, the available evidence is currently insufficient to determine the role of this variant in disease. Therefore, it has been classified as a Variant of Uncertain Significance.

NM_000466.3(PEX1):c.1928C>A (p.Thr643Asn)

Gene: PEX1 (peroxisomal biogenesis factor 1; minus strand). Cytogenetic location: 7q21.2.
Variant type: single nucleotide variant.
Coding change: c.1928C>A on transcript NM_000466.3 (MANE Select); coding-DNA position 1928, C replaced by A.
Protein change: p.Thr643Asn; replaces threonine 643 with asparagine.
Molecular consequence: missense variant. On other transcripts: intron variant (1).
Genome position (GRCh38, 1-based): chr7:92,504,875, G>T on the plus strand (C>A on the coding strand, the complement: PEX1 is on the minus strand). VCF-style: chr7-92504875-G-T. GRCh37 (hg19) VCF-style: chr7-92134189-G-T.
Other names: c.1304C>A, p.Thr435Asn (NM_001282678.2); c.1900+1373C>A (NM_001282677.2); short protein forms T435N, T643N.
Identifiers: ClinVar variation 1919845 (VCV001919845.3), dbSNP rs748922613, ClinGen allele CA4341251.